The following is an entry in ClinVar:

NM_152701.5(ABCA13):c.12139C>G (p.Leu4047Val)

Gene: ABCA13 (ATP binding cassette subfamily A member 13; plus strand). Cytogenetic location: 7p12.3.
Variant type: single nucleotide variant.
Coding change: c.12139C>G on transcript NM_152701.5 (MANE Select); coding-DNA position 12139, C replaced by G.
Protein change: p.Leu4047Val; replaces leucine 4047 with valine.
Molecular consequence: missense variant.
Genome position (GRCh38, 1-based): chr7:48,410,588, C>G. VCF-style: chr7-48410588-C-G. GRCh37 (hg19) VCF-style: chr7-48450185-C-G.
Other names: short protein forms L4047V.
Identifiers: ClinVar variation 3777783 (VCV003777783.7).
Genomic context (GRCh38, chr7:48,410,588, plus strand): 5'-ATCATCTTCACAACCCACCACCTGGATGAAGCTGAAGCGCTGAGTGACCGCGTGGCCGTC[C>G]TCCAGCATGGGAGGCTCAGGTGCTGCGGTCCTCCCTTCTGCCTGAAGGAGGCATATGGCC-3'
Protein context (NP_689914.3, residues 4037-4057): AEALSDRVAV[Leu4047Val]QHGRLRCCGP

ClinVar aggregate classification (germline): Benign (1 of 4 stars; one submission).

gnomAD v4.1: 18,719 of 1,614,022 alleles (1.2%); highest among the groups gnomAD compares: Non-Finnish European, 1.3%; 151 homozygotes.

Submission:

CeGaT Center for Human Genetics Tuebingen
Classification: Benign. Last evaluated: 2025-06-01. Review status: criteria provided, single submitter. Criteria: CeGaT Center For Human Genetics Tuebingen Variant Classification Criteria Version 2. Collection method: clinical testing. Allele origin: germline. Affected: yes. Observed: 2 variant alleles.
Comment: ABCA13: BS1, BS2